The following is an entry in ClinVar:

NM_001267550.2(TTN):c.56112dup (p.Val18705fs)

Genes: TTN (titin; minus strand), TTN-AS1 (TTN antisense RNA 1; plus strand). Cytogenetic location: 2q31.2.
Variant type: Duplication.
Coding change: c.56112dup on transcript NM_001267550.2 (MANE Select); coding-DNA position 56112, one base duplicated (T; older notation c.56112dupT).
Protein change: p.Val18705fs; shifts the reading frame from valine 18705.
Molecular consequence: frameshift variant.
Genome position (GRCh38, 1-based): chr2:178,599,789, A duplicated on the plus strand (T on the coding strand, the reverse complement: TTN is on the minus strand); the first of 2 consecutive A bases (chr2:178,599,789-178,599,790); duplicating either gives the same sequence. VCF-style (leftmost placement, unchanged base first): chr2-178599788-C-CA. GRCh37 (hg19) VCF-style: chr2-179464515-C-CA.
Other names: c.51189dup, p.Val17064fs (NM_001256850.1); c.28917dup, p.Val9640fs (NM_003319.4); c.48408dup, p.Val16137fs (NM_133378.4); c.29292dup, p.Val9765fs (NM_133432.3); c.29493dup, p.Val9832fs (NM_133437.4); c.56112dup (NM_001267550.1); short protein forms V16137fs, V17064fs, V18705fs, V9640fs, V9765fs, V9832fs.
Identifiers: ClinVar variation 4526994 (VCV004526994.1).

ClinVar aggregate classification (germline): Likely pathogenic (1 of 4 stars; one submission).

Submission:

GeneDx
Classification: Likely pathogenic. Last evaluated: 2025-05-05. Review status: criteria provided, single submitter. Criteria: GeneDx Variant Classification Process June 2021. Collection method: clinical testing. Allele origin: germline. Affected: yes.
Comment: Frameshift variant predicted to result in protein truncation or nonsense mediated decay in a gene for which loss of function is a known mechanism of disease; Not observed at significant frequency in large population cohorts (gnomAD); Has not been previously published as pathogenic or benign to our knowledge; This variant is associated with the following publications: (PMID: 22335739, 32778822)